The following is an entry in ClinVar:

ClinVar aggregate classification (germline): Uncertain significance (1 of 4 stars; one submission).

Conditions:
DNMT3A-related disorder. Also called: DNMT3A-related condition; DNMT3A-related disorders.

gnomAD v4.1: 1 of 1,589,584 alleles (0.000063%); highest among the groups gnomAD compares: Non-Finnish European, 0.000086%; no homozygotes.

Submission:

PreventionGenetics, part of Exact Sciences
Classification: Uncertain significance for DNMT3A-related condition. Last evaluated: 2026-03-23. Review status: criteria provided, single submitter. Criteria: ACMG Guidelines, 2015. Collection method: clinical testing. Allele origin: germline.
Comment: The DNMT3A c.506G>A variant is predicted to result in the amino acid substitution p.Arg169Gln. To our knowledge, this variant has not been reported in the literature or in a large population database (gnomAD), indicating this variant is rare. At this time, the clinical significance of this variant is uncertain due to the absence of conclusive functional and genetic evidence.

NM_022552.5(DNMT3A):c.506G>A (p.Arg169Gln)

Gene: DNMT3A (DNA methyltransferase 3 alpha; minus strand). Cytogenetic location: 2p23.3.
Variant type: single nucleotide variant.
Coding change: c.506G>A on transcript NM_022552.5 (MANE Select); coding-DNA position 506, G replaced by A.
Protein change: p.Arg169Gln; replaces arginine 169 with glutamine.
Molecular consequence: missense variant. On other transcripts: non-coding transcript variant (1).
Genome position (GRCh38, 1-based): chr2:25,275,074, C>T on the plus strand (G>A on the coding strand, the complement: DNMT3A is on the minus strand). VCF-style: chr2-25275074-C-T. GRCh37 (hg19) VCF-style: chr2-25497943-C-T.
Other names: c.506G>A, p.Arg169Gln (NM_175629.2); short protein forms R169Q.
Identifiers: ClinVar variation 4987379 (VCV004987379.1).